The following is an entry in ClinVar:

NM_005491.5(MAMLD1):c.*614C>A

Gene: MAMLD1 (mastermind like domain containing 1; plus strand). Cytogenetic location: Xq28.
Variant type: single nucleotide variant.
Coding change: c.*614C>A on transcript NM_005491.5 (MANE Select); 614 bases downstream of the stop codon, C replaced by A.
Molecular consequence: 3 prime UTR variant. On other transcripts: missense variant (2).
Genome position (GRCh38, 1-based): chrX:150,512,573, C>A. VCF-style: chrX-150512573-C-A. GRCh37 (hg19) VCF-style: chrX-149680843-C-A.
Other names: c.2497C>A, p.Gln833Lys (NM_001177465.3); c.*614C>A (NM_001177466.3, NM_001400513.1, NM_001400514.1 and 1 more transcripts); c.2572C>A, p.Gln858Lys (NM_001400512.1); short protein forms Q833K, Q858K.
Identifiers: ClinVar variation 3034290 (VCV003034290.3), dbSNP rs782701412, ClinGen allele CA10538989.

ClinVar aggregate classification (germline): Likely benign. Review status: criteria provided, single submitter (1 of 4 stars). 2 submissions from 2 submitters: Likely benign (1). 1 of the submissions does not count toward it. Last evaluated 2024-11-07.

Conditions:
MAMLD1-related disorder. Also called: MAMLD1-related condition.

Allele frequency attached by ClinVar (database versions not stated): ExAC 0.00307.
gnomAD v4.1: 685 of 1,153,648 alleles (0.059%); highest among the groups gnomAD compares: South Asian, 0.12%; no homozygotes.

Submissions (2):

Blueprint Genetics
Classification: Likely benign. Last evaluated: 2024-11-07. Review status: criteria provided, single submitter. Criteria: ACMG Guidelines, 2015. Collection method: clinical testing. Allele origin: germline.

PreventionGenetics, part of Exact Sciences
Classification: Benign for MAMLD1-related condition. Last evaluated: 2024-06-02. Review status: no assertion criteria provided. Collection method: clinical testing. Allele origin: germline. Not counted in ClinVar's aggregate classification.
Comment: This variant is classified as benign based on ACMG/AMP sequence variant interpretation guidelines (Richards et al. 2015 PMID: 25741868, with internal and published modifications).